The following is an entry in ClinVar:

ClinVar aggregate classification (germline): Uncertain significance (1 of 4 stars; one submission).

Conditions:
Developmental and epileptic encephalopathy, 12 (DEE12). Identifiers: MedGen C3150988, MONDO:0013389, OMIM 613722.

Allele frequency attached by ClinVar (database versions not stated): gnomAD exomes below 0.00001.
gnomAD v4.1: 8 of 1,614,236 alleles (0.0005%); highest among the groups gnomAD compares: Middle Eastern, 0.033%; no homozygotes.

Submission:

Labcorp Genetics (formerly Invitae), Labcorp
Classification: Uncertain significance for Developmental and epileptic encephalopathy, 12. Last evaluated: 2022-08-09. Review status: criteria provided, single submitter. Criteria: Invitae Variant Classification Sherloc (09022015). Collection method: clinical testing. Allele origin: germline.
Comment: This sequence change replaces asparagine, which is neutral and polar, with lysine, which is basic and polar, at codon 144 of the PNKP protein (p.Asn144Lys). This variant is present in population databases (rs367883177, gnomAD 0.003%). This variant has not been reported in the literature in individuals affected with PNKP-related conditions. ClinVar contains an entry for this variant (Variation ID: 940190). Algorithms developed to predict the effect of missense changes on protein structure and function are either unavailable or do not agree on the potential impact of this missense change (SIFT: "Deleterious"; PolyPhen-2: "Benign"; Align-GVGD: "Class C0"). In summary, the available evidence is currently insufficient to determine the role of this variant in disease. Therefore, it has been classified as a Variant of Uncertain Significance.

NM_007254.4(PNKP):c.432C>A (p.Asn144Lys)

Gene: PNKP (polynucleotide kinase 3'-phosphatase; minus strand). Cytogenetic location: 19q13.33.
Variant type: single nucleotide variant.
Coding change: c.432C>A on transcript NM_007254.4 (MANE Select); coding-DNA position 432, C replaced by A.
Protein change: p.Asn144Lys; replaces asparagine 144 with lysine.
Molecular consequence: missense variant.
Genome position (GRCh38, 1-based): chr19:49,865,193, G>T on the plus strand (C>A on the coding strand, the complement: PNKP is on the minus strand). VCF-style: chr19-49865193-G-T. GRCh37 (hg19) VCF-style: chr19-50368450-G-T.
Other names: short protein forms N144K.
Identifiers: ClinVar variation 940190 (VCV000940190.7), dbSNP rs367883177, ClinGen allele CA309498412.